The following is an entry in ClinVar:

NM_002693.3(POLG):c.2834A>G (p.His945Arg)

Gene: POLG (DNA polymerase gamma, catalytic subunit; minus strand). Cytogenetic location: 15q26.1.
Variant type: single nucleotide variant.
Coding change: c.2834A>G on transcript NM_002693.3 (MANE Select); coding-DNA position 2834, A replaced by G.
Protein change: p.His945Arg; replaces histidine 945 with arginine.
Molecular consequence: missense variant.
Genome position (GRCh38, 1-based): chr15:89,320,913, T>C on the plus strand (A>G on the coding strand, the complement: POLG is on the minus strand). VCF-style: chr15-89320913-T-C. GRCh37 (hg19) VCF-style: chr15-89864144-T-C.
Other names: c.2834A>G, p.His945Arg (NM_001126131.2); short protein forms H945R.
Identifiers: ClinVar variation 4991809 (VCV004991809.1).

ClinVar aggregate classification (germline): Uncertain significance (1 of 4 stars; one submission).

Conditions:
POLG-related disorder. Also called: POLG-Related Spectrum Disorders; POLG-related condition; POLG-Related Disorders. Identifiers: MedGen C4763519.

Submission:

PreventionGenetics, part of Exact Sciences
Classification: Uncertain significance for POLG-related condition. Last evaluated: 2025-12-17. Review status: criteria provided, single submitter. Criteria: ACMG Guidelines, 2015. Collection method: clinical testing. Allele origin: germline.
Comment: The POLG c.2834A>G variant is predicted to result in the amino acid substitution p.His945Arg. To our knowledge, this variant has not been reported in the literature or in a large population database (gnomAD), indicating this variant is rare. At this time, the clinical significance of this variant is uncertain due to the absence of conclusive functional and genetic evidence.